The following is an entry in ClinVar:

ClinVar aggregate classification (germline): Pathogenic. Review status: criteria provided, multiple submitters, no conflicts (2 of 4 stars). 3 submissions from 3 submitters: Pathogenic (2). 1 of the submissions does not count toward it. Last evaluated 2023-10-07.

Conditions:
Autosomal recessive congenital ichthyosis 1 (LI1). Also called: COLLODION FETUS; DESQUAMATION OF NEWBORN; ICHTHYOSIS CONGENITA; ICHTHYOSIS CONGENITA II; LAMELLAR EXFOLIATION OF NEWBORN; ICHTHYOSIS, CONGENITAL, AUTOSOMAL RECESSIVE 1, WITH BATHING SUIT DISTRIBUTION. Identifiers: MedGen C4551630, MONDO:0009441, OMIM 242300.

Submissions (3):

Baylor Genetics
Classification: Pathogenic for Autosomal recessive congenital ichthyosis 1. Last evaluated: 2023-10-07. Review status: criteria provided, single submitter. Criteria: ACMG Guidelines, 2015. Collection method: clinical testing. Allele origin: unknown.

Labcorp Genetics (formerly Invitae), Labcorp
Classification: Pathogenic. Last evaluated: 2023-08-30. Review status: criteria provided, single submitter. Criteria: Invitae Variant Classification Sherloc (09022015). Collection method: clinical testing. Allele origin: germline.
Comment: ClinVar contains an entry for this variant (Variation ID: 39535). This sequence change creates a premature translational stop signal (p.Arg445Glufs*9) in the TGM1 gene. It is expected to result in an absent or disrupted protein product. Loss-of-function variants in TGM1 are known to be pathogenic (PMID: 18948357, 19241467). This variant is present in population databases (rs398122903, gnomAD 0.007%). This premature translational stop signal has been observed in individual(s) with ichthyosis (PMID: 18948357, 19863506). For these reasons, this variant has been classified as Pathogenic.

OMIM
Classification: Pathogenic for ICHTHYOSIS, CONGENITAL, AUTOSOMAL RECESSIVE 1. Last evaluated: 2010-02-01. Review status: no assertion criteria provided. Collection method: literature only. Allele origin: germline. Not counted in ClinVar's aggregate classification.

Literature cited by the submitters: PubMed 18948357 (cited by Labcorp Genetics (formerly Invitae), Labcorp); PubMed 19241467 (cited by Labcorp Genetics (formerly Invitae), Labcorp); PubMed 19863506 (cited by Labcorp Genetics (formerly Invitae), Labcorp and OMIM).

NM_000359.3(TGM1):c.1331dup (p.Arg445fs)

Gene: TGM1 (transglutaminase 1; minus strand). Cytogenetic location: 14q12.
Variant type: Duplication.
Coding change: c.1331dup on transcript NM_000359.3 (MANE Select); coding-DNA position 1331, one base duplicated (A; older notation c.1331dupA).
Protein change: p.Arg445fs; shifts the reading frame from arginine 445.
Molecular consequence: frameshift variant.
Genome position (GRCh38, 1-based): chr14:24,258,356, T duplicated on the plus strand (A on the coding strand, the reverse complement: TGM1 is on the minus strand); the first of 2 consecutive T bases (chr14:24,258,356-24,258,357); duplicating either gives the same sequence. VCF-style (leftmost placement, unchanged base first): chr14-24258355-C-CT. GRCh37 (hg19) VCF-style: chr14-24727561-C-CT.
Other names: short protein forms R445fs.
Identifiers: ClinVar variation 39535 (VCV000039535.11), dbSNP rs398122903, ClinGen allele CA261157.
Genomic context (GRCh38, chr14:24,258,355, plus strand): 5'-CTCTTGGGGTGTGGCATCCACCACCTGCCACCCATCAAAGCCCGAGGGCAGATCCGGCCT[C>CT]TTCATCCAGCAGTCGTTCCACACATGGAAGTTCCTGGATGGACATGGAGGAGGGGCTGGG-3'